The following is an entry in ClinVar:

ClinVar aggregate classification (germline): Uncertain significance (1 of 4 stars; one submission).

Conditions:
TRPC6-related disorder. Also called: TRPC6-related condition.

Allele frequency attached by ClinVar (database versions not stated): gnomAD exomes below 0.00001.
gnomAD v4.1: 1 of 1,610,978 alleles (0.000062%); highest among the groups gnomAD compares: Non-Finnish European, 0.000085%; no homozygotes.

Submission:

PreventionGenetics, part of Exact Sciences
Classification: Uncertain significance for TRPC6-related condition. Last evaluated: 2023-05-02. Review status: criteria provided, single submitter. Criteria: ACMG Guidelines, 2015. Collection method: clinical testing. Allele origin: germline.
Comment: The TRPC6 c.2203G>A variant is predicted to result in the amino acid substitution p.Glu735Lys. To our knowledge, this variant has not been reported in the literature or in a large population database, indicating this variant is rare. At this time, the clinical significance of this variant is uncertain due to the absence of conclusive functional and genetic evidence.

NM_004621.6(TRPC6):c.2203G>A (p.Glu735Lys)

Gene: TRPC6 (transient receptor potential cation channel subfamily C member 6; minus strand). Cytogenetic location: 11q22.1.
Variant type: single nucleotide variant.
Coding change: c.2203G>A on transcript NM_004621.6 (MANE Select); coding-DNA position 2203, G replaced by A.
Protein change: p.Glu735Lys; replaces glutamic acid 735 with lysine.
Molecular consequence: missense variant.
Genome position (GRCh38, 1-based): chr11:101,472,139, C>T on the plus strand (G>A on the coding strand, the complement: TRPC6 is on the minus strand). VCF-style: chr11-101472139-C-T. GRCh37 (hg19) VCF-style: chr11-101342870-C-T.
Other names: short protein forms E735K.
Identifiers: ClinVar variation 2633016 (VCV002633016.1), dbSNP rs2497332636, ClinGen allele CA382439204.